The following is an entry in ClinVar:

NM_004279.3(PMPCB):c.1255T>A (p.Cys419Ser)

Gene: PMPCB (peptidase, mitochondrial processing subunit beta; plus strand). Cytogenetic location: 7q22.1.
Variant type: single nucleotide variant.
Coding change: c.1255T>A on transcript NM_004279.3 (MANE Select); coding-DNA position 1255, T replaced by A.
Protein change: p.Cys419Ser; replaces cysteine 419 with serine.
Molecular consequence: missense variant.
Genome position (GRCh38, 1-based): chr7:103,311,822, T>A. VCF-style: chr7-103311822-T-A. GRCh37 (hg19) VCF-style: chr7-102952269-T-A.
Other names: short protein forms C419S.
Identifiers: ClinVar variation 2190790 (VCV002190790.3), dbSNP rs978470996, ClinGen allele CA163879761.

ClinVar aggregate classification (germline): Uncertain significance (1 of 4 stars; one submission).

Allele frequency attached by ClinVar (database versions not stated): gnomAD exomes 0.00001; gnomAD 0.00003; TOPMed 0.00004.
gnomAD v4.1: 21 of 1,612,620 alleles (0.0013%); highest among the groups gnomAD compares: Middle Eastern, 0.016%; no homozygotes.

Submission:

Labcorp Genetics (formerly Invitae), Labcorp
Classification: Uncertain significance. Last evaluated: 2026-01-12. Review status: criteria provided, single submitter. Criteria: Invitae Variant Classification Sherloc (09022015). Collection method: clinical testing. Allele origin: germline.
Comment: This sequence change replaces cysteine, which is neutral and slightly polar, with serine, which is neutral and polar, at codon 419 of the PMPCB protein (p.Cys419Ser). This variant is present in population databases (no rsID available, gnomAD 0.003%). This variant has not been reported in the literature in individuals affected with PMPCB-related conditions. ClinVar contains an entry for this variant (Variation ID: 2190790). Invitae Evidence Modeling of protein sequence and biophysical properties (such as structural, functional, and spatial information, amino acid conservation, physicochemical variation, residue mobility, and thermodynamic stability) indicates that this missense variant is not expected to disrupt PMPCB protein function with a negative predictive value of 80%. In summary, the available evidence is currently insufficient to determine the role of this variant in disease. Therefore, it has been classified as a Variant of Uncertain Significance.